The following is an entry in ClinVar:

ClinVar aggregate classification (germline): Uncertain significance (1 of 4 stars; one submission).

Conditions:
Hereditary cancer-predisposing syndrome. Also called: Tumor predisposition; Neoplastic Syndromes, Hereditary; Hereditary Cancer Syndrome; Hereditary neoplastic syndrome. Identifiers: Orphanet 140162, MedGen C0027672, MeSH D009386, MONDO:0015356.

Submission:

Ambry Genetics
Classification: Uncertain significance for Hereditary cancer-predisposing syndrome. Last evaluated: 2024-12-17. Review status: criteria provided, single submitter. Criteria: Ambry Variant Classification Scheme 2023. Collection method: clinical testing. Allele origin: germline.
Comment: The p.R811S variant (also known as c.2431C>A), located in coding exon 10 of the MET gene, results from a C to A substitution at nucleotide position 2431. The arginine at codon 811 is replaced by serine, an amino acid with dissimilar properties. This amino acid position is highly conserved in available vertebrate species. In addition, this alteration is predicted to be deleterious by in silico analysis. Based on the available evidence, the clinical significance of this variant remains unclear.

NM_000245.4(MET):c.2377C>A (p.Arg793Ser)

Gene: MET (MET proto-oncogene, receptor tyrosine kinase; plus strand). Cytogenetic location: 7q31.2.
Variant type: single nucleotide variant.
Coding change: c.2377C>A on transcript NM_000245.4 (MANE Select); coding-DNA position 2377, C replaced by A.
Protein change: p.Arg793Ser; replaces arginine 793 with serine.
Molecular consequence: missense variant.
Genome position (GRCh38, 1-based): chr7:116,763,062, C>A. VCF-style: chr7-116763062-C-A. GRCh37 (hg19) VCF-style: chr7-116403116-C-A.
Other names: c.2431C>A, p.Arg811Ser (NM_001127500.3); c.2377C>A, p.Arg793Ser (NM_001324401.3); c.1087C>A, p.Arg363Ser (NM_001324402.2); short protein forms R793S, R811S, R363S.
Identifiers: ClinVar variation 3872342 (VCV003872342.1).